The following is an entry in ClinVar:

NM_001692.4(ATP6V1B1):c.319G>A (p.Glu107Lys)

Gene: ATP6V1B1 (ATPase H+ transporting V1 subunit B1; plus strand). Cytogenetic location: 2p13.3.
Variant type: single nucleotide variant.
Coding change: c.319G>A on transcript NM_001692.4 (MANE Select); coding-DNA position 319, G replaced by A.
Protein change: p.Glu107Lys; replaces glutamic acid 107 with lysine.
Molecular consequence: missense variant.
Genome position (GRCh38, 1-based): chr2:70,958,378, G>A. VCF-style: chr2-70958378-G-A. GRCh37 (hg19) VCF-style: chr2-71185508-G-A.
Other names: c.319G>A (NM_001692.3); short protein forms E107K.
Identifiers: ClinVar variation 3250389 (VCV003250389.4), dbSNP rs370511629.

ClinVar aggregate classification (germline): Conflicting classifications of pathogenicity. Review status: criteria provided, conflicting classifications (1 of 4 stars). 4 submissions from 4 submitters: Likely pathogenic (2); Uncertain significance (2). Last evaluated 2025-09-22.

Conditions:
Inborn genetic diseases. Identifiers: MedGen C0950123, MeSH D030342.
Renal tubular acidosis with progressive nerve deafness. Also called: RENAL TUBULAR ACIDOSIS, AUTOSOMAL RECESSIVE, WITH PROGRESSIVE NERVE DEAFNESS; RTA WITH PROGRESSIVE NERVE DEAFNESS; Distal Renal Tubular Acidosis with Progressive Sensorineural Deafness; renal tubular acidosis, distal, 2, with progressive sensorineural hearing loss. Identifiers: MedGen C0403554, MONDO:0009968, OMIM 267300.

Allele frequency attached by ClinVar (database versions not stated): gnomAD 0.00004; TOPMed 0.00004; ExAC 0.00007; ESP Exome Variant Server 0.00008; gnomAD exomes 0.00011.
gnomAD v4.1: 161 of 1,576,090 alleles (0.01%); highest among the groups gnomAD compares: Non-Finnish European, 0.013%; no homozygotes.

Submissions (4):

Ambry Genetics
Classification: Uncertain significance for Inborn genetic diseases. Last evaluated: 2025-09-22. Review status: criteria provided, single submitter. Criteria: Ambry Variant Classification Scheme 2023. Collection method: clinical testing. Allele origin: germline.

First Genomix Gene Laboratory, Genetic Diagnostics Department
Classification: Likely pathogenic for Renal tubular acidosis with progressive nerve deafness. Last evaluated: 2025-07-11. Review status: criteria provided, single submitter. Criteria: ACMG Guidelines, 2015. Collection method: clinical testing. Allele origin: germline. Inheritance: Autosomal recessive inheritance. Affected: no. Observed: 1 variant allele.

Laboratory of Prof. Karen Avraham, Tel Aviv University
Classification: Likely pathogenic for Renal tubular acidosis with progressive nerve deafness. Last evaluated: 2024-04-18. Review status: criteria provided, single submitter. Criteria: ACMG Guidelines, 2015. Collection method: research. Allele origin: germline. Affected: yes. Observed: 1 variant allele.
Comment: Homozygosity of a very rare variant that is predicted to cause damage by most prediction programs

Autosomal recessive; profound HL

Fulgent Genetics
Classification: Uncertain significance for Renal tubular acidosis with progressive nerve deafness. Last evaluated: 2024-04-09. Review status: criteria provided, single submitter. Criteria: ACMG Guidelines, 2015. Collection method: clinical testing. Allele origin: germline.